The following is an entry in ClinVar:

ClinVar aggregate classification (germline): Uncertain significance (1 of 4 stars; one submission).

Conditions:
Aortic aneurysm, familial thoracic 8 (AAT8). Identifiers: MedGen C3809513, MONDO:0014187, OMIM 615436.

Submission:

Labcorp Genetics (formerly Invitae), Labcorp
Classification: Uncertain significance for Aortic aneurysm, familial thoracic 8. Last evaluated: 2019-01-12. Review status: criteria provided, single submitter. Criteria: Invitae Variant Classification Sherloc (09022015). Collection method: clinical testing. Allele origin: germline.
Comment: In summary, the available evidence is currently insufficient to determine the role of this variant in disease. Therefore, it has been classified as a Variant of Uncertain Significance. Algorithms developed to predict the effect of missense changes on protein structure and function are either unavailable or do not agree on the potential impact of this missense change (SIFT: "Deleterious"; PolyPhen-2: "Possibly Damaging"; Align-GVGD: "Class C0"). This variant has not been reported in the literature in individuals with PRKG1-related conditions. This variant is not present in population databases (ExAC no frequency). This sequence change replaces leucine with proline at codon 154 of the PRKG1 protein (p.Leu154Pro). The leucine residue is moderately conserved and there is a moderate physicochemical difference between leucine and proline.

NM_006258.4(PRKG1):c.461T>C (p.Leu154Pro)

Gene: PRKG1 (protein kinase cGMP-dependent 1; plus strand). Cytogenetic location: 10q21.1.
Variant type: single nucleotide variant.
Coding change: c.461T>C on transcript NM_006258.4 (MANE Select); coding-DNA position 461, T replaced by C.
Protein change: p.Leu154Pro; replaces leucine 154 with proline.
Molecular consequence: missense variant.
Genome position (GRCh38, 1-based): chr10:51,153,313, T>C. VCF-style: chr10-51153313-T-C. GRCh37 (hg19) VCF-style: chr10-52913073-T-C.
Other names: c.416T>C, p.Leu139Pro (NM_001098512.3); c.461T>C, p.Leu154Pro (NM_001374782.1); short protein forms L139P, L154P.
Identifiers: ClinVar variation 840596 (VCV000840596.9), dbSNP rs1846124871, ClinGen allele CA376827626.